The following is an entry in ClinVar:

ClinVar aggregate classification (germline): Uncertain significance. Review status: criteria provided, multiple submitters, no conflicts (2 of 4 stars). 2 submissions from 2 submitters: Uncertain significance (2). Last evaluated 2025-08-11.

Conditions:
Bardet-Biedl syndrome (BBS). Identifiers: Orphanet 110, MedGen C0752166, MONDO:0015229.
Inborn genetic diseases. Identifiers: MedGen C0950123, MeSH D030342.

Allele frequency attached by ClinVar (database versions not stated): ExAC 0.00001; 1000 Genomes Project 30x 0.00016; 1000 Genomes Project 0.00020.
gnomAD v4.1: 3 of 1,613,448 alleles (0.00019%); highest among the groups gnomAD compares: African/African-American, 0.0027%; no homozygotes.

Submissions (2):

Ambry Genetics
Classification: Uncertain significance for Inborn genetic diseases. Last evaluated: 2025-08-11. Review status: criteria provided, single submitter. Criteria: Ambry Variant Classification Scheme 2023. Collection method: clinical testing. Allele origin: germline.

Labcorp Genetics (formerly Invitae), Labcorp
Classification: Uncertain significance for Bardet-Biedl syndrome. Last evaluated: 2022-03-26. Review status: criteria provided, single submitter. Criteria: Invitae Variant Classification Sherloc (09022015). Collection method: clinical testing. Allele origin: germline.
Comment: This sequence change replaces proline, which is neutral and non-polar, with arginine, which is basic and polar, at codon 118 of the BBS5 protein (p.Pro118Arg). This variant is present in population databases (rs529553455, gnomAD 0.007%). This variant has not been reported in the literature in individuals affected with BBS5-related conditions. Algorithms developed to predict the effect of missense changes on protein structure and function are either unavailable or do not agree on the potential impact of this missense change (SIFT: "Tolerated"; PolyPhen-2: "Probably Damaging"; Align-GVGD: "Class C0"). In summary, the available evidence is currently insufficient to determine the role of this variant in disease. Therefore, it has been classified as a Variant of Uncertain Significance.

NM_152384.3(BBS5):c.353C>G (p.Pro118Arg)

Gene: BBS5 (Bardet-Biedl syndrome 5; plus strand). Cytogenetic location: 2q31.1.
Variant type: single nucleotide variant.
Coding change: c.353C>G on transcript NM_152384.3 (MANE Select); coding-DNA position 353, C replaced by G.
Protein change: p.Pro118Arg; replaces proline 118 with arginine.
Molecular consequence: missense variant.
Genome position (GRCh38, 1-based): chr2:169,488,081, C>G. VCF-style: chr2-169488081-C-G. GRCh37 (hg19) VCF-style: chr2-170344591-C-G.
Other names: c.353C>G (NM_152384.2); short protein forms P118R.
Identifiers: ClinVar variation 1990681 (VCV001990681.2), dbSNP rs529553455, ClinGen allele CA1956189.